The following is an entry in ClinVar:

NM_000383.4(AIRE):c.1084del (p.Val362fs)

Gene: AIRE (autoimmune regulator; plus strand). Cytogenetic location: 21q22.3.
Variant type: Deletion.
Coding change: c.1084del on transcript NM_000383.4 (MANE Select); coding-DNA position 1084, one base deleted (G; older notation c.1084delG).
Protein change: p.Val362fs; shifts the reading frame from valine 362.
Molecular consequence: frameshift variant.
Genome position (GRCh38, 1-based): chr21:44,292,390, G deleted. VCF-style (leftmost placement, unchanged base first): chr21-44292389-CG-C. GRCh37 (hg19) VCF-style: chr21-45712272-CG-C.
Other names: c.1084delG (NM_000383.3); c.1084del (NM_000383.3); short protein forms V362fs.
Identifiers: ClinVar variation 371416 (VCV000371416.10), dbSNP rs1057517254, ClinGen allele CA16042019.

ClinVar aggregate classification (germline): Pathogenic/Likely pathogenic. Review status: criteria provided, multiple submitters, no conflicts (2 of 4 stars). 3 submissions from 3 submitters: Pathogenic (1); Likely pathogenic (1). 1 of the submissions does not count toward it. Last evaluated 2024-09-03.

Conditions:
Polyglandular autoimmune syndrome, type 1 (APS1). Also called: AUTOIMMUNE POLYENDOCRINE SYNDROME, TYPE I, WITH OR WITHOUT REVERSIBLE METAPHYSEAL DYSPLASIA; APS I; Whitaker syndrome; Autoimmune polyendocrine syndrome type 1; Autoimmune polyendocrinopathy syndrome , type I, with or without reversible metaphyseal dysplasia; Autoimmune polyendocrinopathy syndrome, type I. Identifiers: Orphanet 3453, MedGen C0085859, MONDO:0009411, OMIM 240300.

Allele frequency attached by ClinVar (database versions not stated): gnomAD exomes below 0.00001; TOPMed 0.00001.

Submissions (3):

Natera, Inc.
Classification: Likely pathogenic for Polyglandular autoimmune syndrome type 1. Last evaluated: 2024-09-03. Review status: criteria provided, single submitter. Criteria: Natera Variant Classification Schema (03/2026). Collection method: clinical testing. Allele origin: germline.
Comment: The c.1084del variant in AIRE is a frameshift variant predicted to shift the reading frame beginning at codon 362 and leads to a stop codon 16 codons downstream. This variant is expected to result in nonsense mediated decay, truncation, or a dysfunctional protein product. This variant is rare in the general population with a frequency below the threshold expected for the associated phenotype(s). Given the available evidence, this variant is classified as Likely Pathogenic.

Labcorp Genetics (formerly Invitae), Labcorp
Classification: Pathogenic for Polyglandular autoimmune syndrome, type 1. Last evaluated: 2020-06-29. Review status: criteria provided, single submitter. Criteria: Invitae Variant Classification Sherloc (09022015). Collection method: clinical testing. Allele origin: germline.
Comment: For these reasons, this variant has been classified as Pathogenic. Loss-of-function variants in AIRE are known to be pathogenic (PMID: 11524731, 26141571). This variant has not been reported in the literature in individuals with AIRE-related conditions. ClinVar contains an entry for this variant (Variation ID: 371416). This variant is not present in population databases (ExAC no frequency). This sequence change creates a premature translational stop signal (p.Val362Trpfs*16) in the AIRE gene. It is expected to result in an absent or disrupted protein product.

Counsyl
Classification: Likely pathogenic for Polyglandular autoimmune syndrome, type 1. Last evaluated: 2016-09-20. Review status: no assertion criteria provided. Collection method: clinical testing. Allele origin: unknown. Not counted in ClinVar's aggregate classification.

Literature cited by the submitters: PubMed 11524731 (cited by Labcorp Genetics (formerly Invitae), Labcorp); PubMed 26141571 (cited by Labcorp Genetics (formerly Invitae), Labcorp).